The following is an entry in ClinVar:

ClinVar aggregate classification (germline): Uncertain significance (1 of 4 stars; one submission).

Conditions:
Epileptic encephalopathy. Identifiers: MedGen C0543888, HP:0200134.

Submission:

Labcorp Genetics (formerly Invitae), Labcorp
Classification: Uncertain significance for Epileptic encephalopathy. Last evaluated: 2019-04-19. Review status: criteria provided, single submitter. Criteria: Invitae Variant Classification Sherloc (09022015). Collection method: clinical testing. Allele origin: germline.
Comment: In summary, the available evidence is currently insufficient to determine the role of this variant in disease. Therefore, it has been classified as a Variant of Uncertain Significance. Algorithms developed to predict the effect of sequence changes on RNA splicing suggest that this variant may create or strengthen a splice site, but this prediction has not been confirmed by published transcriptional studies. This variant has not been reported in the literature in individuals with GABBR2-related conditions. The frequency data for this variant in the population databases is considered unreliable, as metrics indicate insufficient coverage at this position in the ExAC database. This sequence change replaces proline with glutamine at codon 50 of the GABBR2 protein (p.Pro50Gln). The proline residue is weakly conserved and there is a moderate physicochemical difference between proline and glutamine.

NM_005458.8(GABBR2):c.149C>A (p.Pro50Gln)

Gene: GABBR2 (gamma-aminobutyric acid type B receptor subunit 2; minus strand). Cytogenetic location: 9q22.33.
Variant type: single nucleotide variant.
Coding change: c.149C>A on transcript NM_005458.8 (MANE Select); coding-DNA position 149, C replaced by A.
Protein change: p.Pro50Gln; replaces proline 50 with glutamine.
Molecular consequence: missense variant.
Genome position (GRCh38, 1-based): chr9:98,708,589, G>T on the plus strand (C>A on the coding strand, the complement: GABBR2 is on the minus strand). VCF-style: chr9-98708589-G-T. GRCh37 (hg19) VCF-style: chr9-101470871-G-T.
Other names: short protein forms P50Q.
Identifiers: ClinVar variation 861289 (VCV000861289.9), dbSNP rs1830933722, ClinGen allele CA374212750.
Genomic context (GRCh38, chr9:98,708,589, plus strand): 5'-TTGGCCACCTCCTTGGTGAGCGGCATGAGGCCCATGATGGAGAGCGGCGGGCTGCTGGGC[G>T]GCGGCCGGGGGGCGCCCCGCGCCCAGCCCCAGGCCCCGGGCGCCAGAGGCAGCAGCAGCG-3'
Protein context (NP_005449.5, residues 40-60): WGWARGAPRP[Pro50Gln]PSSPPLSIMG